The following is an entry in ClinVar:

NM_015697.9(COQ2):c.57G>T (p.Gln19His)

Genes: COQ2 (coenzyme Q2, polyprenyltransferase; minus strand), LOC112997540 (Sharpr-MPRA regulatory region 13773; plus strand). Cytogenetic location: 4q21.23.
Variant type: single nucleotide variant.
Coding change: c.57G>T on transcript NM_015697.9; coding-DNA position 57, G replaced by T.
Protein change: p.Gln19His; replaces glutamine 19 with histidine.
Molecular consequence: missense variant.
Genome position (GRCh38, 1-based): chr4:83,284,858, C>A on the plus strand (G>T on the coding strand, the complement: COQ2 is on the minus strand). VCF-style: chr4-83284858-C-A. GRCh37 (hg19) VCF-style: chr4-84206011-C-A.
Other names: short protein forms Q19H.
Identifiers: ClinVar variation 1357524 (VCV001357524.8), dbSNP rs764905680, ClinGen allele CA2988722.
Genomic context (GRCh38, chr4:83,284,858, plus strand): 5'-CGTCATTCCCCGGCAGGCATGCGCAGTGGCACCCGCAGGATGCAATCCTAGTCTGCCAGG[C>A]TGGGCGGCGGTGTGGGCAGAACCTTTCCTCATCCTTACTTGTGAAATTGGGGTCATCGTG-3'

ClinVar aggregate classification (germline): Uncertain significance. Review status: criteria provided, multiple submitters, no conflicts (2 of 4 stars). 3 submissions from 3 submitters: Uncertain significance (3). Last evaluated 2024-10-25.

Conditions:
Inborn genetic diseases. Identifiers: MedGen C0950123, MeSH D030342.
Coenzyme Q10 deficiency, primary, 1. Also called: UBIQUINONE DEFICIENCY 1; COENZYME Q DEFICIENCY 1; CoQ DEFICIENCY 1. Identifiers: Orphanet 255249, MedGen C3551954, MONDO:0011829, OMIM 607426.
Multiple system atrophy 1, susceptibility to. Also called: MSA1, SUSCEPTIBILITY TO. Identifiers: MedGen C3714927, MONDO:0020715, OMIM 146500.

Allele frequency attached by ClinVar (database versions not stated): TOPMed 0.00005; ExAC 0.00015; gnomAD 0.00003 and 0.00004; gnomAD exomes 0.00004.
gnomAD v4.1: 55 of 1,539,596 alleles (0.0036%); highest among the groups gnomAD compares: Non-Finnish European, 0.0044%; no homozygotes.

Submissions (3):

Ambry Genetics
Classification: Uncertain significance for Inborn genetic diseases. Last evaluated: 2024-10-25. Review status: criteria provided, single submitter. Criteria: Ambry Variant Classification Scheme 2023. Collection method: clinical testing. Allele origin: germline.

Labcorp Genetics (formerly Invitae), Labcorp
Classification: Uncertain significance. Last evaluated: 2022-10-17. Review status: criteria provided, single submitter. Criteria: Invitae Variant Classification Sherloc (09022015). Collection method: clinical testing. Allele origin: germline.
Comment: This sequence change replaces glutamine, which is neutral and polar, with histidine, which is basic and polar, at codon 19 of the COQ2 protein (p.Gln19His). The frequency data for this variant in the population databases is considered unreliable, as metrics indicate poor data quality at this position in the gnomAD database. This variant has not been reported in the literature in individuals affected with COQ2-related conditions. ClinVar contains an entry for this variant (Variation ID: 1357524). Algorithms developed to predict the effect of missense changes on protein structure and function output the following: SIFT: "Deleterious"; PolyPhen-2: "Benign"; Align-GVGD: "Class C0". The histidine amino acid residue is found in multiple mammalian species, which suggests that this missense change does not adversely affect protein function. In summary, the available evidence is currently insufficient to determine the role of this variant in disease. Therefore, it has been classified as a Variant of Uncertain Significance.

Fulgent Genetics
Classification: Uncertain significance for Multiple system atrophy 1, susceptibility to; Coenzyme Q10 deficiency, primary, 1. Last evaluated: 2022-03-15. Review status: criteria provided, single submitter. Criteria: ACMG Guidelines, 2015. Collection method: clinical testing. Allele origin: unknown.